The following is an entry in ClinVar:

NM_015693.4(INTU):c.470_471delinsAG (p.Arg157Gln)

Gene: INTU (inturned planar cell polarity protein; plus strand). Cytogenetic location: 4q28.1.
Variant type: Indel.
Coding change: c.470_471delinsAG on transcript NM_015693.4 (MANE Select); coding-DNA positions 470 to 471, GA replaced by AG.
Protein change: p.Arg157Gln; replaces arginine 157 with glutamine.
Molecular consequence: missense variant.
Genome position (GRCh38, 1-based): chr4:127,643,844-127,643,845, GA replaced by AG. VCF-style: chr4-127643844-GA-AG. GRCh37 (hg19) VCF-style: chr4-128564999-GA-AG.
Other names: short protein forms R157Q.
Identifiers: ClinVar variation 3604532 (VCV003604532.2).

ClinVar aggregate classification (germline): Uncertain significance (1 of 4 stars; one submission).

Submission:

Labcorp Genetics (formerly Invitae), Labcorp
Classification: Uncertain significance. Last evaluated: 2025-11-18. Review status: criteria provided, single submitter. Criteria: Invitae Variant Classification Sherloc (09022015). Collection method: clinical testing. Allele origin: germline.
Comment: This sequence change replaces arginine, which is basic and polar, with glutamine, which is neutral and polar, at codon 157 of the INTU protein (p.Arg157Gln). The frequency data for this variant in the population databases is considered unreliable, as metrics indicate poor data quality at this position in the gnomAD database. This variant has not been reported in the literature in individuals affected with INTU-related conditions. ClinVar contains an entry for this variant (Variation ID: 3604532). An algorithm developed to predict the effect of missense changes on protein structure and function (PolyPhen-2) suggests that this variant is likely to be tolerated. In summary, the available evidence is currently insufficient to determine the role of this variant in disease. Therefore, it has been classified as a Variant of Uncertain Significance.